The following is an entry in ClinVar:

NM_001184880.2(PCDH19):c.2502del (p.Asn834fs)

Genes: PCDH19 (protocadherin 19; minus strand), LOC125467768 (CDK7 strongly-dependent group 2 enhancer GRCh37_chrX:99657381-99658580; plus strand). Cytogenetic location: Xq22.1.
Variant type: Deletion.
Coding change: c.2502del on transcript NM_001184880.2 (MANE Select); coding-DNA position 2502, one base deleted (T; older notation c.2502delT).
Protein change: p.Asn834fs; shifts the reading frame from asparagine 834.
Molecular consequence: frameshift variant.
Genome position (GRCh38, 1-based): chrX:100,402,638, A deleted on the plus strand (T on the coding strand, the reverse complement: PCDH19 is on the minus strand). VCF-style (leftmost placement, unchanged base first): chrX-100402637-CA-C. GRCh37 (hg19) VCF-style: chrX-99657635-CA-C.
Other names: c.2361del, p.Asn787fs (NM_001105243.2, NM_020766.3); short protein forms N787fs, N834fs.
Identifiers: ClinVar variation 1074865 (VCV001074865.7), dbSNP rs2147533148, ClinGen allele CA2499226249.

ClinVar aggregate classification (germline): Pathogenic (1 of 4 stars; one submission).

Conditions:
Developmental and epileptic encephalopathy, 9 (DEE9). Also called: Early infantile epileptic encephalopathy 9; EPILEPSY, FEMALE-RESTRICTED, WITH MENTAL RETARDATION; JUBERG-HELLMAN SYNDROME; PCDH19-Related X-Linked Female-Limited Epilepsy with Mental Retardation. Identifiers: Orphanet 101039, Orphanet 2076, MedGen C1848137, MONDO:0010246, OMIM 300088. Disease mechanism: loss of function.

Submission:

Labcorp Genetics (formerly Invitae), Labcorp
Classification: Pathogenic for Developmental and epileptic encephalopathy, 9. Last evaluated: 2020-07-02. Review status: criteria provided, single submitter. Criteria: Invitae Variant Classification Sherloc (09022015). Collection method: clinical testing. Allele origin: germline.
Comment: For these reasons, this variant has been classified as Pathogenic. Loss-of-function variants in PCDH19 are known to be pathogenic (PMID: 21053371). This variant has not been reported in the literature in individuals with PCDH19-related conditions. This variant is not present in population databases (ExAC no frequency). This sequence change creates a premature translational stop signal (p.Asn834Lysfs*30) in the PCDH19 gene. It is expected to result in an absent or disrupted protein product.

Literature cited by the submitters: PubMed 21053371.